The following is an entry in ClinVar:

NM_172351.3(CD46):c.1087T>C (p.Tyr363His)

Gene: CD46 (CD46 molecule; plus strand). Cytogenetic location: 1q32.2.
Variant type: single nucleotide variant.
Coding change: c.1087T>C on transcript NM_172351.3 (MANE Select); coding-DNA position 1087, T replaced by C.
Protein change: p.Tyr363His; replaces tyrosine 363 with histidine.
Molecular consequence: missense variant. On other transcripts: intron variant (7).
Genome position (GRCh38, 1-based): chr1:207,790,257, T>C. VCF-style: chr1-207790257-T-C. GRCh37 (hg19) VCF-style: chr1-207963602-T-C.
Other names: c.1132T>C, p.Tyr378His (NM_002389.4); c.1042T>C, p.Tyr348His (NM_172352.3); c.1045T>C, p.Tyr349His (NM_172355.3); c.1000T>C, p.Tyr334His (NM_172357.3); c.1128-3262T>C (NM_172359.3); c.1083-3262T>C (NM_153826.4); c.1046-3262T>C (NM_172358.3); c.1041-3262T>C (NM_172356.3); and 3 more; short protein forms Y348H, Y349H, Y378H, Y334H, Y363H.
Identifiers: ClinVar variation 1401717 (VCV001401717.8), dbSNP rs2102711892, ClinGen allele CA344553122.

ClinVar aggregate classification (germline): Uncertain significance (1 of 4 stars; one submission).

Submission:

Labcorp Genetics (formerly Invitae), Labcorp
Classification: Uncertain significance. Last evaluated: 2025-10-13. Review status: criteria provided, single submitter. Criteria: Invitae Variant Classification Sherloc (09022015). Collection method: clinical testing. Allele origin: germline.
Comment: This sequence change replaces tyrosine, which is neutral and polar, with histidine, which is basic and polar, at codon 378 of the CD46 protein (p.Tyr378His). This variant is not present in population databases (gnomAD no frequency). This variant has not been reported in the literature in individuals affected with CD46-related conditions. ClinVar contains an entry for this variant (Variation ID: 1401717). An algorithm developed to predict the effect of missense changes on protein structure and function (PolyPhen-2) suggests that this variant is likely to be tolerated. In summary, the available evidence is currently insufficient to determine the role of this variant in disease. Therefore, it has been classified as a Variant of Uncertain Significance.